The following is an entry in ClinVar:

ClinVar aggregate classification (germline): Uncertain significance. Review status: criteria provided, multiple submitters, no conflicts (2 of 4 stars). 2 submissions from 2 submitters: Uncertain significance (2). Last evaluated 2024-06-09.

gnomAD v4.1: 3 of 1,614,204 alleles (0.00019%); highest among the groups gnomAD compares: Non-Finnish European, 0.00025%; no homozygotes.

Submissions (2):

Labcorp Genetics (formerly Invitae), Labcorp
Classification: Uncertain significance. Last evaluated: 2024-06-09. Review status: criteria provided, single submitter. Criteria: Invitae Variant Classification Sherloc (09022015). Collection method: clinical testing. Allele origin: germline.
Comment: This sequence change replaces isoleucine, which is neutral and non-polar, with valine, which is neutral and non-polar, at codon 489 of the FZD4 protein (p.Ile489Val). This variant is not present in population databases (gnomAD no frequency). This variant has not been reported in the literature in individuals affected with FZD4-related conditions. Advanced modeling of protein sequence and biophysical properties (such as structural, functional, and spatial information, amino acid conservation, physicochemical variation, residue mobility, and thermodynamic stability) has been performed at Invitae for this missense variant, however the output from this modeling did not meet the statistical confidence thresholds required to predict the impact of this variant on FZD4 protein function. In summary, the available evidence is currently insufficient to determine the role of this variant in disease. Therefore, it has been classified as a Variant of Uncertain Significance.

Blueprint Genetics
Classification: Uncertain significance. Last evaluated: 2019-10-30. Review status: criteria provided, single submitter. Criteria: ACMG Guidelines, 2015. Collection method: clinical testing. Allele origin: germline.

NM_012193.4(FZD4):c.1465A>G (p.Ile489Val)

Genes: FZD4 (frizzled class receptor 4; minus strand), PRSS23 (serine protease 23; plus strand). Cytogenetic location: 11q14.2.
Variant type: single nucleotide variant.
Coding change: c.1465A>G on transcript NM_012193.4 (MANE Select); coding-DNA position 1465, A replaced by G.
Protein change: p.Ile489Val; replaces isoleucine 489 with valine.
Molecular consequence: missense variant. On other transcripts: non-coding transcript variant (2).
Genome position (GRCh38, 1-based): chr11:86,951,291, T>C on the plus strand (A>G on the coding strand, the complement: FZD4 is on the minus strand). VCF-style: chr11-86951291-T-C. GRCh37 (hg19) VCF-style: chr11-86662333-T-C.
Other names: short protein forms I489V.
Identifiers: ClinVar variation 3688008 (VCV003688008.3).